The following is an entry in ClinVar:

ClinVar aggregate classification (germline): Likely benign (1 of 4 stars; one submission).

gnomAD v4.1: 83 of 1,550,104 alleles (0.0054%); highest among the groups gnomAD compares: Non-Finnish European, 0.0072%; no homozygotes.

Submission:

CeGaT Center for Human Genetics Tuebingen
Classification: Likely benign. Last evaluated: 2026-01-01. Review status: criteria provided, single submitter. Criteria: CeGaT Center For Human Genetics Tuebingen Variant Classification Criteria Version 2. Collection method: clinical testing. Allele origin: germline. Affected: yes. Observed: 1 variant allele.
Comment: THSD4: BP4

NM_024817.3(THSD4):c.1153-113060C>T

Gene: THSD4 (thrombospondin type 1 domain containing 4; plus strand). Cytogenetic location: 15q23.
Variant type: single nucleotide variant.
Coding change: c.1153-113060C>T on transcript NM_024817.3 (MANE Select); 113060 bases into the intron before coding-DNA position 1153, C replaced by T.
Molecular consequence: intron variant. On other transcripts: missense variant (1).
Genome position (GRCh38, 1-based): chr15:71,547,470, C>T. VCF-style: chr15-71547470-C-T. GRCh37 (hg19) VCF-style: chr15-71839809-C-T.
Other names: c.61C>T, p.Pro21Ser (NM_001286429.2); c.1153-113060C>T (NM_001394532.1); short protein forms P21S.
Identifiers: ClinVar variation 4820674 (VCV004820674.4).